The following is an entry in ClinVar:

ClinVar aggregate classification (germline): Uncertain significance (1 of 4 stars; one submission).

Allele frequency attached by ClinVar (database versions not stated): gnomAD 0.00001; TOPMed 0.00002.
gnomAD v4.1: 1 of 1,608,198 alleles (0.000062%); highest among the groups gnomAD compares: African/African-American, 0.0013%; no homozygotes.

Submission:

Labcorp Genetics (formerly Invitae), Labcorp
Classification: Uncertain significance. Last evaluated: 2025-04-28. Review status: criteria provided, single submitter. Criteria: Invitae Variant Classification Sherloc (09022015). Collection method: clinical testing. Allele origin: germline.
Comment: This sequence change replaces glutamine, which is neutral and polar, with glutamic acid, which is acidic and polar, at codon 91 of the TOPORS protein (p.Gln91Glu). This variant is not present in population databases (gnomAD no frequency). This variant has not been reported in the literature in individuals affected with TOPORS-related conditions. ClinVar contains an entry for this variant (Variation ID: 960933). An algorithm developed to predict the effect of missense changes on protein structure and function (PolyPhen-2) suggests that this variant is likely to be disruptive. In summary, the available evidence is currently insufficient to determine the role of this variant in disease. Therefore, it has been classified as a Variant of Uncertain Significance.

NM_005802.5(TOPORS):c.271C>G (p.Gln91Glu)

Gene: TOPORS (TOP1 binding arginine/serine rich protein, E3 ubiquitin ligase; minus strand). Cytogenetic location: 9p21.1.
Variant type: single nucleotide variant.
Coding change: c.271C>G on transcript NM_005802.5 (MANE Select); coding-DNA position 271, C replaced by G.
Protein change: p.Gln91Glu; replaces glutamine 91 with glutamic acid.
Molecular consequence: missense variant.
Genome position (GRCh38, 1-based): chr9:32,544,254, G>C on the plus strand (C>G on the coding strand, the complement: TOPORS is on the minus strand). VCF-style: chr9-32544254-G-C. GRCh37 (hg19) VCF-style: chr9-32544252-G-C.
Other names: c.76C>G, p.Gln26Glu (NM_001195622.2); short protein forms Q26E, Q91E.
Identifiers: ClinVar variation 960933 (VCV000960933.9), dbSNP rs964781087, ClinGen allele CA192359652.
Genomic context (GRCh38, chr9:32,544,254, plus strand): 5'-CAAATCTATCCAAGCATATAGGACACTTAGAATCAGGAGATGCATCAGCTGGTACTGTCT[G>C]TTGCAATTTGCTAGTGCCAGCTTTAGGTGAAAAGTTGTCCATTTTAAATTCCTTAGCAGC-3'
Protein context (NP_005793.2, residues 81-101): SPKAGTSKLQ[Gln91Glu]TVPADASPDS